The following is an entry in ClinVar:

ClinVar aggregate classification (germline): Uncertain significance (1 of 4 stars; one submission).

Submission:

Labcorp Genetics (formerly Invitae), Labcorp
Classification: Uncertain significance. Last evaluated: 2024-06-03. Review status: criteria provided, single submitter. Criteria: Invitae Variant Classification Sherloc (09022015). Collection method: clinical testing. Allele origin: germline.
Comment: This sequence change replaces threonine, which is neutral and polar, with isoleucine, which is neutral and non-polar, at codon 731 of the PDE4D protein (p.Thr731Ile). This variant is present in population databases (no rsID available, gnomAD 0.003%). This variant has not been reported in the literature in individuals affected with PDE4D-related conditions. Advanced modeling of protein sequence and biophysical properties (such as structural, functional, and spatial information, amino acid conservation, physicochemical variation, residue mobility, and thermodynamic stability) performed at Invitae indicates that this missense variant is not expected to disrupt PDE4D protein function with a negative predictive value of 80%. In summary, the available evidence is currently insufficient to determine the role of this variant in disease. Therefore, it has been classified as a Variant of Uncertain Significance.

NM_001104631.2(PDE4D):c.2192C>T (p.Thr731Ile)

Gene: PDE4D (phosphodiesterase 4D; minus strand). Cytogenetic location: 5q11.2.
Variant type: single nucleotide variant.
Coding change: c.2192C>T on transcript NM_001104631.2 (MANE Select); coding-DNA position 2192, C replaced by T.
Protein change: p.Thr731Ile; replaces threonine 731 with isoleucine.
Molecular consequence: missense variant.
Genome position (GRCh38, 1-based): chr5:58,974,902, G>A on the plus strand (C>T on the coding strand, the complement: PDE4D is on the minus strand). VCF-style: chr5-58974902-G-A. GRCh37 (hg19) VCF-style: chr5-58270729-G-A.
Other names: c.1862C>T, p.Thr621Ile (NM_001349242.2); c.1424C>T, p.Thr475Ile (NM_001349243.2, NM_001364604.1); c.2009C>T, p.Thr670Ile (NM_001364599.1, NM_001165899.2); c.1286C>T, p.Thr429Ile (NM_001364603.1, NM_001197221.2); c.1784C>T, p.Thr595Ile (NM_006203.5); c.2000C>T, p.Thr667Ile (NM_001197218.2); c.1826C>T, p.Thr609Ile (NM_001197219.2); c.1802C>T, p.Thr601Ile (NM_001197220.2); and 3 more; short protein forms T475I, T507I, T601I, T429I, T440I, T609I, T670I, T621I.
Identifiers: ClinVar variation 3645607 (VCV003645607.2).